The following is an entry in ClinVar:

ClinVar aggregate classification (germline): Uncertain significance. Review status: criteria provided, multiple submitters, no conflicts (2 of 4 stars). 2 submissions from 2 submitters: Uncertain significance (2). Last evaluated 2021-10-16.

Conditions:
Cardiovascular phenotype. Identifiers: MedGen CN230736.
Dilated cardiomyopathy 1KK (CMD1KK). Identifiers: Orphanet 154, Orphanet 75249, MedGen C3714995, MONDO:0014100, OMIM 615248.

Allele frequency attached by ClinVar (database versions not stated): gnomAD exomes below 0.00001; TOPMed below 0.00001; gnomAD 0.00001.
gnomAD v4.1: 2 of 1,614,118 alleles (0.00012%); highest among the groups gnomAD compares: Non-Finnish European, 0.00017%; no homozygotes.

Submissions (2):

Ambry Genetics
Classification: Uncertain significance for Cardiovascular phenotype. Last evaluated: 2021-10-16. Review status: criteria provided, single submitter. Criteria: Ambry Variant Classification Scheme 2023. Collection method: clinical testing. Allele origin: germline.
Comment: The p.S1308P variant (also known as c.3922T>C), located in coding exon 19 of the MYPN gene, results from a T to C substitution at nucleotide position 3922. The serine at codon 1308 is replaced by proline, an amino acid with similar properties. This amino acid position is conserved. In addition, the in silico prediction for this alteration is inconclusive. Since supporting evidence is limited at this time, the clinical significance of this alteration remains unclear.

Labcorp Genetics (formerly Invitae), Labcorp
Classification: Uncertain significance for Dilated cardiomyopathy 1KK. Last evaluated: 2019-07-30. Review status: criteria provided, single submitter. Criteria: Invitae Variant Classification Sherloc (09022015). Collection method: clinical testing. Allele origin: germline.
Comment: In summary, the available evidence is currently insufficient to determine the role of this variant in disease. Therefore, it has been classified as a Variant of Uncertain Significance. Algorithms developed to predict the effect of missense changes on protein structure and function are either unavailable or do not agree on the potential impact of this missense change (SIFT: "Tolerated"; PolyPhen-2: "Possibly Damaging"; Align-GVGD: "Class C0"). This variant has not been reported in the literature in individuals with MYPN-related disease. This variant is not present in population databases (ExAC no frequency). This sequence change replaces serine with proline at codon 1308 of the MYPN protein (p.Ser1308Pro). The serine residue is moderately conserved and there is a moderate physicochemical difference between serine and proline.

NM_032578.4(MYPN):c.3922T>C (p.Ser1308Pro)

Gene: MYPN (myopalladin; plus strand). Cytogenetic location: 10q21.3.
Variant type: single nucleotide variant.
Coding change: c.3922T>C on transcript NM_032578.4 (MANE Select); coding-DNA position 3922, T replaced by C.
Protein change: p.Ser1308Pro; replaces serine 1308 with proline.
Molecular consequence: missense variant. On other transcripts: non-coding transcript variant (2).
Genome position (GRCh38, 1-based): chr10:68,210,414, T>C. VCF-style: chr10-68210414-T-C. GRCh37 (hg19) VCF-style: chr10-69970171-T-C.
Other names: c.3922T>C, p.Ser1308Pro (NM_001256267.2); c.3040T>C, p.Ser1014Pro (NM_001256268.2); short protein forms S1014P, S1308P.
Identifiers: ClinVar variation 648315 (VCV000648315.12), dbSNP rs1279126604, ClinGen allele CA376830392.